The following is an entry in ClinVar:

ClinVar aggregate classification (germline): Uncertain significance (1 of 4 stars; one submission).

Conditions:
Griscelli syndrome type 2 (GS2). Also called: PAID SYNDROME; PARTIAL ALBINISM AND IMMUNODEFICIENCY SYNDROME; GRISCELLI SYNDROME WITH HEMOPHAGOCYTIC SYNDROME. Identifiers: Orphanet 381, Orphanet 79477, MedGen C1868679, MONDO:0011872, OMIM 607624.

Submission:

Labcorp Genetics (formerly Invitae), Labcorp
Classification: Uncertain significance for Griscelli syndrome type 2. Last evaluated: 2025-02-24. Review status: criteria provided, single submitter. Criteria: Invitae Variant Classification Sherloc (09022015). Collection method: clinical testing. Allele origin: germline.
Comment: This sequence change replaces aspartic acid, which is acidic and polar, with glutamic acid, which is acidic and polar, at codon 91 of the RAB27A protein (p.Asp91Glu). This variant is not present in population databases (gnomAD no frequency). This variant has not been reported in the literature in individuals affected with RAB27A-related conditions. ClinVar contains an entry for this variant (Variation ID: 2070790). An algorithm developed to predict the effect of missense changes on protein structure and function (PolyPhen-2) suggests that this variant is likely to be tolerated. In summary, the available evidence is currently insufficient to determine the role of this variant in disease. Therefore, it has been classified as a Variant of Uncertain Significance.

NM_183235.3(RAB27A):c.273T>G (p.Asp91Glu)

Gene: RAB27A (RAB27A, member RAS oncogene family; minus strand). Cytogenetic location: 15q21.3.
Variant type: single nucleotide variant.
Coding change: c.273T>G on transcript NM_183235.3 (MANE Select); coding-DNA position 273, T replaced by G.
Protein change: p.Asp91Glu; replaces aspartic acid 91 with glutamic acid.
Molecular consequence: missense variant.
Genome position (GRCh38, 1-based): chr15:55,228,679, A>C on the plus strand (T>G on the coding strand, the complement: RAB27A is on the minus strand). VCF-style: chr15-55228679-A-C. GRCh37 (hg19) VCF-style: chr15-55520877-A-C.
Other names: c.273T>G, p.Asp91Glu (NM_004580.5, NM_183234.3, NM_183236.3); short protein forms D91E.
Identifiers: ClinVar variation 2070790 (VCV002070790.4), dbSNP rs1437756845, ClinGen allele CA392530481.